The following is an entry in ClinVar:

ClinVar aggregate classification (germline): Uncertain significance. Review status: criteria provided, multiple submitters, no conflicts (2 of 4 stars). 2 submissions from 2 submitters: Uncertain significance (2). Last evaluated 2025-10-08.

Conditions:
Hereditary cancer-predisposing syndrome. Also called: Hereditary Cancer Syndrome; Tumor predisposition; Neoplastic Syndromes, Hereditary; Hereditary neoplastic syndrome. Identifiers: Orphanet 140162, MedGen C0027672, MeSH D009386, MONDO:0015356.
DICER1-related tumor predisposition. Also called: DICER1-related pleuropulmonary blastoma cancer predisposition syndrome; DICER1 syndrome. Identifiers: Orphanet 284343, MedGen C3839822, MONDO:0100216.

Submissions (2):

Labcorp Genetics (formerly Invitae), Labcorp
Classification: Uncertain significance for DICER1-related tumor predisposition. Last evaluated: 2025-10-08. Review status: criteria provided, single submitter. Criteria: Invitae Variant Classification Sherloc (09022015). Collection method: clinical testing. Allele origin: germline.
Comment: This sequence change replaces glycine, which is neutral and non-polar, with arginine, which is basic and polar, at codon 314 of the DICER1 protein (p.Gly314Arg). This variant is not present in population databases (gnomAD no frequency). This variant has not been reported in the literature in individuals affected with DICER1-related conditions. ClinVar contains an entry for this variant (Variation ID: 3229455). Invitae Evidence Modeling of protein sequence and biophysical properties (such as structural, functional, and spatial information, amino acid conservation, physicochemical variation, residue mobility, and thermodynamic stability) indicates that this missense variant is expected to disrupt DICER1 protein function with a positive predictive value of 95%. In summary, the available evidence is currently insufficient to determine the role of this variant in disease. Therefore, it has been classified as a Variant of Uncertain Significance.

Ambry Genetics
Classification: Uncertain significance for Hereditary cancer-predisposing syndrome. Last evaluated: 2023-10-19. Review status: criteria provided, single submitter. Criteria: Ambry Variant Classification Scheme 2023. Collection method: clinical testing. Allele origin: germline.
Comment: The p.G314R variant (also known as c.940G>C), located in coding exon 7 of the DICER1 gene, results from a G to C substitution at nucleotide position 940. The glycine at codon 314 is replaced by arginine, an amino acid with dissimilar properties. This amino acid position is conserved. In addition, this alteration is predicted to be deleterious by in silico analysis. Since supporting evidence is limited at this time, the clinical significance of this alteration remains unclear.

NM_177438.3(DICER1):c.940G>C (p.Gly314Arg)

Gene: DICER1 (dicer 1, ribonuclease III; minus strand). Cytogenetic location: 14q32.13.
Variant type: single nucleotide variant.
Coding change: c.940G>C on transcript NM_177438.3 (MANE Select); coding-DNA position 940, G replaced by C.
Protein change: p.Gly314Arg; replaces glycine 314 with arginine.
Molecular consequence: missense variant. On other transcripts: 5 prime UTR variant (1), non-coding transcript variant (6).
Genome position (GRCh38, 1-based): chr14:95,124,632, C>G on the plus strand (G>C on the coding strand, the complement: DICER1 is on the minus strand). VCF-style: chr14-95124632-C-G. GRCh37 (hg19) VCF-style: chr14-95590969-C-G.
Other names: c.940G>C, p.Gly314Arg (NM_001195573.1, NM_001271282.3, NM_001291628.2 and 15 more transcripts); c.658G>C, p.Gly220Arg (NM_001395686.1); c.535G>C, p.Gly179Arg (NM_001395687.1, NM_001395688.1, NM_001395689.1 and 3 more transcripts); c.373G>C, p.Gly125Arg (NM_001395691.1); c.-629G>C (NM_001395697.1); short protein forms G125R, G179R, G220R, G314R.
Identifiers: ClinVar variation 3229455 (VCV003229455.2), dbSNP rs2140208146, ClinGen allele CA390887330.